The following is an entry in ClinVar:

NM_004415.4(DSP):c.2705T>C (p.Leu902Pro)

Gene: DSP (desmoplakin; plus strand). Cytogenetic location: 6p24.3.
Variant type: single nucleotide variant.
Coding change: c.2705T>C on transcript NM_004415.4 (MANE Select); coding-DNA position 2705, T replaced by C.
Protein change: p.Leu902Pro; replaces leucine 902 with proline.
Molecular consequence: missense variant.
Genome position (GRCh38, 1-based): chr6:7,576,368, T>C. VCF-style: chr6-7576368-T-C. GRCh37 (hg19) VCF-style: chr6-7576601-T-C.
Other names: c.2705T>C, p.Leu902Pro (NM_001008844.3, NM_001319034.2); short protein forms L902P.
Identifiers: ClinVar variation 4787193 (VCV004787193.1).

ClinVar aggregate classification (germline): Uncertain significance (1 of 4 stars; one submission).

Conditions:
Arrhythmogenic cardiomyopathy with wooly hair and keratoderma. Also called: Carvajal syndrome; PALMOPLANTAR KERATODERMA WITH LEFT VENTRICULAR CARDIOMYOPATHY AND WOOLLY HAIR; Dilated cardiomyopathy with woolly hair and keratoderma; Arrhythmogenic cardiomyopathy with woolly hair and keratoderma. Identifiers: Orphanet 65282, MedGen C1854063, MONDO:0011581, OMIM 605676.
Arrhythmogenic right ventricular dysplasia 8 (ARVD8). Also called: Arrhythmogenic Right Ventricular Dysplasia/Cardiomyopathy 8; ARRHYTHMOGENIC RIGHT VENTRICULAR DYSPLASIA, FAMILIAL, 8; ARRHYTHMOGENIC RIGHT VENTRICULAR CARDIOMYOPATHY 8. Identifiers: MedGen C1843896, MONDO:0011831, OMIM 607450.

Submission:

Labcorp Genetics (formerly Invitae), Labcorp
Classification: Uncertain significance for Arrhythmogenic cardiomyopathy with wooly hair and keratoderma; Arrhythmogenic right ventricular dysplasia 8. Last evaluated: 2026-01-10. Review status: criteria provided, single submitter. Criteria: Invitae Variant Classification Sherloc (09022015). Collection method: clinical testing. Allele origin: germline.
Comment: This sequence change replaces leucine, which is neutral and non-polar, with proline, which is neutral and non-polar, at codon 902 of the DSP protein (p.Leu902Pro). This variant is not present in population databases (gnomAD no frequency). This variant has not been reported in the literature in individuals affected with DSP-related conditions. An algorithm developed to predict the effect of missense changes on protein structure and function (PolyPhen-2) suggests that this variant is likely to be disruptive. In summary, the available evidence is currently insufficient to determine the role of this variant in disease. Therefore, it has been classified as a Variant of Uncertain Significance.